The following is an entry in ClinVar:

ClinVar aggregate classification (germline): Uncertain significance (1 of 4 stars; one submission).

Submission:

GeneDx
Classification: Uncertain significance. Last evaluated: 2025-07-12. Review status: criteria provided, single submitter. Criteria: GeneDx Variant Classification Process June 2021. Collection method: clinical testing. Allele origin: germline. Affected: yes.
Comment: Not observed at significant frequency in large population cohorts (gnomAD); In silico analysis supports that this missense variant has a deleterious effect on protein structure/function; Has not been previously published as pathogenic or benign to our knowledge

NM_001127222.2(CACNA1A):c.2093T>C (p.Leu698Pro)

Gene: CACNA1A (calcium voltage-gated channel subunit alpha1 A; minus strand). Cytogenetic location: 19p13.13.
Variant type: single nucleotide variant.
Coding change: c.2093T>C on transcript NM_001127222.2 (MANE Select); coding-DNA position 2093, T replaced by C.
Protein change: p.Leu698Pro; replaces leucine 698 with proline.
Molecular consequence: missense variant.
Genome position (GRCh38, 1-based): chr19:13,303,778, A>G on the plus strand (T>C on the coding strand, the complement: CACNA1A is on the minus strand). VCF-style: chr19-13303778-A-G. GRCh37 (hg19) VCF-style: chr19-13414592-A-G.
Other names: c.2096T>C, p.Leu699Pro (NM_001174080.2, NM_023035.3, NM_000068.4 and 1 more transcripts); short protein forms L698P, L699P.
Identifiers: ClinVar variation 4685021 (VCV004685021.1).
Genomic context (GRCh38, chr19:13,303,778, plus strand): 5'-TCTGCCAGAGGTCCAGGCCTGTCCCCTTCTCTCTCTCCATGAAGGATACAGTTCCCAAAG[A>G]GCGTCAGTACAATGAAATAGATGGAGAACACCATGCCGCCCTGCACGCCCCCCTGAGACT-3'
Protein context (NP_001120694.1, residues 688-708): VFSIYFIVLT[Leu698Pro]FGNYTLLNVF